The following is an entry in ClinVar:

ClinVar aggregate classification (germline): Uncertain significance (1 of 4 stars; one submission).

Submission:

Ambry Genetics
Classification: Uncertain significance. Last evaluated: 2021-12-10. Review status: criteria provided, single submitter. Criteria: Ambry Variant Classification Scheme 2023. Collection method: clinical testing. Allele origin: germline.
Comment: The p.L179R variant (also known as c.536T>G), located in coding exon 1 of the EGLN1 gene, results from a T to G substitution at nucleotide position 536. The leucine at codon 179 is replaced by arginine, an amino acid with dissimilar properties. This amino acid position is conserved. In addition, this alteration is predicted to be tolerated by in silico analysis. Since supporting evidence is limited at this time, the clinical significance of this alteration remains unclear.

NM_022051.3(EGLN1):c.536T>G (p.Leu179Arg)

Gene: EGLN1 (egl-9 family hypoxia inducible factor 1; minus strand). Cytogenetic location: 1q42.2.
Variant type: single nucleotide variant.
Coding change: c.536T>G on transcript NM_022051.3 (MANE Select); coding-DNA position 536, T replaced by G.
Protein change: p.Leu179Arg; replaces leucine 179 with arginine.
Molecular consequence: missense variant.
Genome position (GRCh38, 1-based): chr1:231,421,353, A>C on the plus strand (T>G on the coding strand, the complement: EGLN1 is on the minus strand). VCF-style: chr1-231421353-A-C. GRCh37 (hg19) VCF-style: chr1-231557099-A-C.
Other names: c.536T>G, p.Leu179Arg (NM_001377260.1, NM_001377261.1); short protein forms L179R.
Identifiers: ClinVar variation 1747102 (VCV001747102.2), dbSNP rs2527359592, ClinGen allele CA345236711.